The following is an entry in ClinVar:

ClinVar aggregate classification (germline): Pathogenic (1 of 4 stars; one submission).

Conditions:
Hereditary cancer-predisposing syndrome. Also called: Neoplastic Syndromes, Hereditary; Tumor predisposition; Hereditary neoplastic syndrome; Hereditary Cancer Syndrome. Identifiers: Orphanet 140162, MedGen C0027672, MeSH D009386, MONDO:0015356.

Submission:

Ambry Genetics
Classification: Pathogenic for Hereditary cancer-predisposing syndrome. Last evaluated: 2025-06-26. Review status: criteria provided, single submitter. Criteria: Ambry Variant Classification Scheme 2023. Collection method: clinical testing. Allele origin: germline.
Comment: The c.8777delT pathogenic mutation, located in coding exon 59 of the ATM gene, results from a deletion of one nucleotide at nucleotide position 8777, causing a translational frameshift with a predicted alternate stop codon (p.V2926Afs*12). This variant is considered to be rare based on population cohorts in the Genome Aggregation Database (gnomAD). This alteration is expected to result in loss of function by premature protein truncation or nonsense-mediated mRNA decay. As such, this alteration is interpreted as a disease-causing mutation.

NM_000051.4(ATM):c.8777del (p.Val2926fs)

Genes: ATM (ATM serine/threonine kinase; plus strand), C11orf65 (chromosome 11 open reading frame 65; minus strand). Cytogenetic location: 11q22.3.
Variant type: Deletion.
Coding change: c.8777del on transcript NM_000051.4 (MANE Select); coding-DNA position 8777, one base deleted (T; older notation c.8777delT).
Protein change: p.Val2926fs; shifts the reading frame from valine 2926.
Molecular consequence: frameshift variant. On other transcripts: intron variant (2).
Genome position (GRCh38, 1-based): chr11:108,353,871, T deleted. VCF-style (leftmost placement, unchanged base first): chr11-108353870-GT-G. GRCh37 (hg19) VCF-style: chr11-108224597-GT-G.
Other names: c.8777del, p.Val2926fs (NM_001351834.2); c.640+32049del (NM_001330368.2); c.695-18579del (NM_001351110.2); short protein forms V2926fs.
Identifiers: ClinVar variation 4168929 (VCV004168929.1).
Genomic context (GRCh38, chr11:108,353,870, plus strand): 5'-GTTCCTTTTAGACTCACCAGAGATATTGTGGATGGCATGGGCATTACGGGTGTTGAAGGT[GT>G]CTTCAGAAGGTAAGTGATATGAAGTAAAGGAGGGAAATAATTTTTGATGTCAAAATTACA-3'